The following is an entry in ClinVar:

NM_001267550.2(TTN):c.2264C>A (p.Ser755Ter)

Gene: TTN (titin; minus strand). Cytogenetic location: 2q31.2.
Variant type: single nucleotide variant.
Coding change: c.2264C>A on transcript NM_001267550.2 (MANE Select); coding-DNA position 2264, C replaced by A.
Protein change: p.Ser755Ter; replaces serine 755 with a stop codon.
Molecular consequence: nonsense.
Genome position (GRCh38, 1-based): chr2:178,785,954, G>T on the plus strand (C>A on the coding strand, the complement: TTN is on the minus strand). VCF-style: chr2-178785954-G-T. GRCh37 (hg19) VCF-style: chr2-179650681-G-T.
Other names: c.2264C>A, p.Ser755Ter (NM_001256850.1, NM_133378.4, NM_133379.5); c.2126C>A, p.Ser709Ter (NM_003319.4, NM_133432.3, NM_133437.4); short protein forms S709*, S755*.
Identifiers: ClinVar variation 4852181 (VCV004852181.1).

ClinVar aggregate classification (germline): Likely pathogenic (1 of 4 stars; one submission).

Conditions:
Dilated cardiomyopathy 1G (CMD1G). Identifiers: Orphanet 154, MedGen C1858763, MONDO:0011400, OMIM 604145.

Submission:

Variantyx, Inc.
Classification: Likely pathogenic for Dilated cardiomyopathy 1G. Last evaluated: 2026-01-06. Review status: criteria provided, single submitter. Criteria: Variantyx Assertion Criteria 2022. Collection method: clinical testing. Allele origin: de novo. Inheritance: Autosomal dominant inheritance. Affected: yes.
Comment: This is a nonsense variant in the TTN gene (OMIM: 188840). Pathogenic variants in this gene have been associated with autosomal dominant dilated cardiomyopathy 1G. This variant is located in the Z-disk band of TTN (PMID: 25589632). The alteration introduces a premature termination codon in exon 14 out of 363 and is expected to result in loss of function (PSI: 100%). Loss of function variants in constitutively expressed exons (PSI>90%) are significantly associated with DCM (PMID: 27869827, 32964742, 27869827) (PVS1). It is absent from control populations (PM2), and it has not been reported in individuals with TTN-related disorders in the databases available for review. Based on the current evidence, this variant is classified as likely pathogenic for autosomal dominant dilated cardiomyopathy 1G.

Literature cited by the submitters: PubMed 25589632; PubMed 27869827; PubMed 32964742.